The following is an entry in ClinVar:

ClinVar aggregate classification (germline): Uncertain significance (1 of 4 stars; one submission).

Submission:

Ambry Genetics
Classification: Uncertain significance. Last evaluated: 2025-03-08. Review status: criteria provided, single submitter. Criteria: Ambry Variant Classification Scheme 2023. Collection method: clinical testing. Allele origin: germline.
Comment: The p.Q118E variant (also known as c.352C>G), located in coding exon 2 of the ATRIP gene, results from a C to G substitution at nucleotide position 352. The glutamine at codon 118 is replaced by glutamic acid, an amino acid with highly similar properties. This amino acid position is conserved. In addition, this alteration is predicted to be tolerated by in silico analysis. Based on the available evidence, the clinical significance of this variant remains unclear.

NM_130384.3(ATRIP):c.352C>G (p.Gln118Glu)

Genes: ATRIP (ATR interacting protein; plus strand), ATRIP-TREX1 (ATRIP-TREX1 readthrough; plus strand). Cytogenetic location: 3p21.31.
Variant type: single nucleotide variant.
Coding change: c.352C>G on transcript NM_130384.3 (MANE Select); coding-DNA position 352, C replaced by G.
Protein change: p.Gln118Glu; replaces glutamine 118 with glutamic acid.
Molecular consequence: missense variant. On other transcripts: non-coding transcript variant (1), 5 prime UTR variant (1).
Genome position (GRCh38, 1-based): chr3:48,450,141, C>G. VCF-style: chr3-48450141-C-G. GRCh37 (hg19) VCF-style: chr3-48491547-C-G.
Other names: c.-113C>G (NM_001271022.2); c.73C>G, p.Gln25Glu (NM_001271023.2); c.352C>G, p.Gln118Glu (NM_032166.4); short protein forms Q25E, Q118E.
Identifiers: ClinVar variation 3811201 (VCV003811201.1).